The following is an entry in ClinVar:

ClinVar aggregate classification (germline): Uncertain significance (1 of 4 stars; one submission).

Submission:

Labcorp Genetics (formerly Invitae), Labcorp
Classification: Uncertain significance. Last evaluated: 2019-09-13. Review status: criteria provided, single submitter. Criteria: Invitae Variant Classification Sherloc (09022015). Collection method: clinical testing. Allele origin: germline.
Comment: Algorithms developed to predict the effect of missense changes on protein structure and function are either unavailable or do not agree on the potential impact of this missense change (SIFT: "Deleterious"; PolyPhen-2: "Probably Damaging"; Align-GVGD: "Class C15"). In summary, the available evidence is currently insufficient to determine the role of this variant in disease. Therefore, it has been classified as a Variant of Uncertain Significance. This variant disrupts the p.Gly453Glu amino acid residue in PPOX. Other variant(s) that disrupt this residue have been observed in individuals with PPOX-related conditions (PMID: 10486317), which suggests that this may be a clinically significant amino acid residue. This variant has not been reported in the literature in individuals with PPOX-related conditions. This variant is not present in population databases (ExAC no frequency). This sequence change replaces glycine with glutamic acid at codon 453 of the PPOX protein (p.Gly453Glu). The glycine residue is highly conserved and there is a moderate physicochemical difference between glycine and glutamic acid.

Literature cited by the submitters: PubMed 10486317.

NM_001122764.3(PPOX):c.1358G>A (p.Gly453Glu)

Gene: PPOX (protoporphyrinogen oxidase; plus strand). Cytogenetic location: 1q23.3.
Variant type: single nucleotide variant.
Coding change: c.1358G>A on transcript NM_001122764.3 (MANE Select); coding-DNA position 1358, G replaced by A.
Protein change: p.Gly453Glu; replaces glycine 453 with glutamic acid.
Molecular consequence: missense variant.
Genome position (GRCh38, 1-based): chr1:161,171,100, G>A. VCF-style: chr1-161171100-G-A. GRCh37 (hg19) VCF-style: chr1-161140890-G-A.
Other names: c.1358G>A, p.Gly453Glu (NM_000309.5, NM_001365398.1); c.1259G>A, p.Gly420Glu (NM_001350128.2); c.950G>A, p.Gly317Glu (NM_001350129.2, NM_001365400.1); c.872G>A, p.Gly291Glu (NM_001350130.2, NM_001350131.2, NM_001365401.1); c.1247G>A, p.Gly416Glu (NM_001365399.1); short protein forms G291E, G416E, G453E, G317E, G420E.
Identifiers: ClinVar variation 839158 (VCV000839158.8), dbSNP rs1661249377, ClinGen allele CA343359142.